The following is an entry in ClinVar:

NM_000222.3(KIT):c.2836C>T (p.Arg946Ter)

Gene: KIT (KIT proto-oncogene, receptor tyrosine kinase; plus strand). Cytogenetic location: 4q12.
Variant type: single nucleotide variant.
Coding change: c.2836C>T on transcript NM_000222.3 (MANE Select); coding-DNA position 2836, C replaced by T.
Protein change: p.Arg946Ter; replaces arginine 946 with a stop codon.
Molecular consequence: nonsense.
Genome position (GRCh38, 1-based): chr4:54,738,462, C>T. VCF-style: chr4-54738462-C-T. GRCh37 (hg19) VCF-style: chr4-55604628-C-T.
Other names: c.2824C>T, p.Arg942Ter (NM_001093772.2, NM_001385292.1); c.2839C>T, p.Arg947Ter (NM_001385284.1); c.2833C>T, p.Arg945Ter (NM_001385285.1); c.2821C>T, p.Arg941Ter (NM_001385286.1); c.2827C>T, p.Arg943Ter (NM_001385288.1); c.2836C>T, p.Arg946Ter (NM_001385290.1); short protein forms R946*, R942*, R941*, R943*, R945*, R947*.
Identifiers: ClinVar variation 576610 (VCV000576610.38), dbSNP rs139000082, ClinGen allele CA2923879.
Genomic context (GRCh38, chr4:54,738,462, plus strand): 5'-TATTGACTATGGGCTTGTTTTCTCCAGATTTACTCCAACTTAGCAAACTGCAGCCCCAAC[C>T]GACAGAAGCCCGTGGTAGACCATTCTGTGCGGATCAATTCTGTCGGCAGCACCGCTTCCT-3'

ClinVar aggregate classification (germline): Conflicting classifications of pathogenicity. Review status: criteria provided, conflicting classifications (1 of 4 stars). 8 submissions from 7 submitters: Uncertain significance (7); Likely benign (1). Last evaluated 2026-07-01.

Conditions:
Acute myeloid leukemia (AML). Also called: Leukemia, acute myeloid, somatic; Leukemia, acute myelogenous, somatic; Acute myeloid leukemia, adult; AML adult; Acute non-lymphocytic leukemia; Acute granulocytic leukemia. Identifiers: Orphanet 519, MedGen C0023467, MeSH D015470, MONDO:0018874, OMIM 601626, HP:0004808. Disease mechanism: Constitutively activated FLT3.
Cutaneous mastocytosis. Also called: MASTOCYTOSIS, MACULOPAPULAR CUTANEOUS. Identifiers: Orphanet 66646, MedGen C1136033, MONDO:0019023, OMIM 154800, HP:0200151.
Gastrointestinal stromal tumor. Also called: Gastrointestinal stromal tumor, somatic; Gastrointestinal stroma tumor. Identifiers: Orphanet 44890, MedGen C0238198, MeSH D046152, MONDO:0011719, OMIM 606764, HP:0100723.
Piebaldism. Also called: Piebald skin depigmentation. Identifiers: Orphanet 2884, MedGen C0080024, MONDO:0008244, OMIM 172800, HP:0007544.
Germ cell tumor of testis (TGCT). Also called: Testicular germ cell tumor; GERM CELL TUMOR, SOMATIC. Identifiers: Orphanet 363504, MedGen C1336708, MONDO:0010108, OMIM 273300.
KIT-related disorder. Also called: KIT-related condition.
Hereditary cancer-predisposing syndrome. Also called: Tumor predisposition; Hereditary Cancer Syndrome; Hereditary neoplastic syndrome; Neoplastic Syndromes, Hereditary. Identifiers: Orphanet 140162, MedGen C0027672, MeSH D009386, MONDO:0015356.
Mastocytosis. Also called: Mast Cell Disease. Identifiers: Orphanet 98292, MedGen C0024899, MONDO:0007950, HP:0100495.
Malignant tumor of testis. Also called: Testicular cancer. Identifiers: MedGen C0153594, MONDO:0005447.

Allele frequency attached by ClinVar (database versions not stated): gnomAD exomes 0.00001 and 0.00004; gnomAD 0.00002; ExAC 0.00003; TOPMed 0.00003; 1000 Genomes Project 30x 0.00016; ESP Exome Variant Server 0.00031.
gnomAD v4.1: 22 of 1,614,042 alleles (0.0014%); highest among the groups gnomAD compares: East Asian, 0.011%; 1 homozygote.

Submissions (8):

PreventionGenetics, part of Exact Sciences
Classification: Uncertain significance for KIT-related condition. Last evaluated: 2026-07-01. Review status: criteria provided, single submitter. Criteria: ACMG Guidelines, 2015. Collection method: clinical testing. Allele origin: germline.
Comment: The KIT c.2836C>T variant is predicted to result in premature protein termination (p.Arg946*). This variant has been reported in individuals with breast cancer (Supplementary Table S3, Sun et al 2017. PubMed ID: 28724667), and individuals with primary lung or colon cancer (Table 2, Ow et al. 2019. PubMed ID: 31350202). This variant is reported in 0.025% of alleles in individuals of East Asian descent in gnomAD and has conflicting interpretations in ClinVar ranging from likely benign to uncertain (Variation ID: 576610). Although we suspect that this variant may be benign, at this time, the clinical significance of this variant is uncertain due to the absence of conclusive functional and genetic evidence.

Labcorp Genetics (formerly Invitae), Labcorp
Classification: Uncertain significance for Gastrointestinal stromal tumor. Last evaluated: 2026-01-09. Review status: criteria provided, single submitter. Criteria: Invitae Variant Classification Sherloc (09022015). Collection method: clinical testing. Allele origin: germline.
Comment: This sequence change creates a premature translational stop signal (p.Arg946*) in the KIT gene. While this is not anticipated to result in nonsense mediated decay, it is expected to disrupt the last 31 amino acid(s) of the KIT protein. This variant is present in population databases (rs139000082, gnomAD 0.03%). This premature translational stop signal has been observed in individual(s) with breast cancer, lung cancer, and colon cancer (PMID: 28724667, 31350202). ClinVar contains an entry for this variant (Variation ID: 576610). Experimental studies and prediction algorithms are not available or were not evaluated, and the functional significance of this variant is currently unknown. Algorithms developed to predict the effect of sequence changes on RNA splicing suggest that this variant may disrupt the consensus splice site. In summary, the available evidence is currently insufficient to determine the role of this variant in disease. Therefore, it has been classified as a Variant of Uncertain Significance.

CeGaT Center for Human Genetics Tuebingen
Classification: Uncertain significance. Last evaluated: 2024-09-01. Review status: criteria provided, single submitter. Criteria: CeGaT Center For Human Genetics Tuebingen Variant Classification Criteria Version 2. Collection method: clinical testing. Allele origin: germline. Affected: yes. Observed: 2 variant alleles.
Comment: KIT: PVS1:Moderate

Ambry Genetics
Classification: Likely benign for Hereditary cancer-predisposing syndrome. Last evaluated: 2024-03-20. Review status: criteria provided, single submitter. Criteria: Ambry Variant Classification Scheme 2023. Collection method: clinical testing. Allele origin: germline.

Fulgent Genetics
Classification: Uncertain significance for Cutaneous mastocytosis; Piebaldism; Germ cell tumor of testis; Acute myeloid leukemia; Gastrointestinal stromal tumor. Last evaluated: 2024-01-18. Review status: criteria provided, single submitter. Criteria: ACMG Guidelines, 2015. Collection method: clinical testing. Allele origin: germline.

Daryl Scott Lab, Baylor College of Medicine
Classification: Uncertain significance for KIT-related disorder. Last evaluated: 2024-01-01. Review status: criteria provided, single submitter. Criteria: ACMG Guidelines, 2015. Collection method: clinical testing. Allele origin: maternal. Observed: 1 heterozygote.
Comment: BS2, PP3

GeneDx
Classification: Uncertain significance. Last evaluated: 2023-11-28. Review status: criteria provided, single submitter. Criteria: GeneDx Variant Classification Process June 2021. Collection method: clinical testing. Allele origin: germline. Affected: yes.
Comment: Nonsense variant predicted to result in protein truncation as the last 31 amino acids are lost, although loss-of-function variants have not been reported downstream of this position in the protein; Observed in individuals with breast, colon, and lung cancer (PMID: 28724667, 31350202); This variant is associated with the following publications: (PMID: 34426522, 28724667, 31350202)

Fulgent Genetics
Classification: Uncertain significance for Cutaneous mastocytosis; Piebaldism; Germ cell tumor of testis; Acute myeloid leukemia; Gastrointestinal stromal tumor. Last evaluated: 2018-10-31. Review status: criteria provided, single submitter. Criteria: ACMG Guidelines, 2015. Collection method: clinical testing. Allele origin: unknown.

Literature cited by the submitters: PubMed 28724667 (cited by Labcorp Genetics (formerly Invitae), Labcorp); PubMed 31350202 (cited by Labcorp Genetics (formerly Invitae), Labcorp).